The following is an entry in ClinVar:

ClinVar aggregate classification (germline): other (0 of 4 stars; one submission).

Conditions:
Familial colorectal cancer. Identifiers: MedGen CN280943, MONDO:0023113. Disease mechanism: loss of function.

Submission:

Systems Biology Platform Zhejiang California International NanoSystems Institute
Classification: other for Familial colorectal cancer. Review status: no assertion criteria provided. Collection method: not provided. Allele origin: unknown.
ClinVar note: Converted during submission from cancer to other.

NM_000038.6(APC):c.1958+732A>C

Gene: APC (APC regulator of WNT signaling pathway; plus strand). Cytogenetic location: 5q22.2.
Variant type: single nucleotide variant.
Coding change: c.1958+732A>C on transcript NM_000038.6 (MANE Select); 732 bases into the intron after coding-DNA position 1958, A replaced by C.
Molecular consequence: intron variant.
Genome position (GRCh38, 1-based): chr5:112,835,897, A>C. VCF-style: chr5-112835897-A-C. GRCh37 (hg19) VCF-style: chr5-112171594-A-C.
Other names: c.1958+732A>C (NM_001354895.2, NM_001127510.3); c.1988+732A>C (NM_001354897.2); c.1685+732A>C (NM_001354902.2); c.1904+732A>C (NM_001127511.3); c.1883+732A>C (NM_001354898.2); c.1580+732A>C (NM_001354904.2); c.1109+732A>C (NM_001354906.2); c.2012+732A>C (NM_001354896.2); and 5 more.
Identifiers: ClinVar variation 82623 (VCV000082623.2), dbSNP rs78859219, ClinGen allele CA006730.
Genomic context (GRCh38, chr5:112,835,897, plus strand): 5'-TGCTGGGATTACAGGTGTGAGCCACCGCGCCCGGCCAATAATCATAATATTATTTAGCTA[A>C]CAGCCATTCATCCAATCTGCTAGAGTTGTAAAACCCAAGAGAGTGCTTCAGATACAGGGC-3'